The following is an entry in ClinVar:

NM_001165963.4(SCN1A):c.826A>G (p.Lys276Glu)

Gene: SCN1A (sodium voltage-gated channel alpha subunit 1; minus strand). Cytogenetic location: 2q24.3.
Variant type: single nucleotide variant.
Coding change: c.826A>G on transcript NM_001165963.4 (MANE Select); coding-DNA position 826, A replaced by G.
Protein change: p.Lys276Glu; replaces lysine 276 with glutamic acid.
Molecular consequence: missense variant. On other transcripts: 5 prime UTR variant (1), non-coding transcript variant (1).
Genome position (GRCh38, 1-based): chr2:166,051,857, T>C on the plus strand (A>G on the coding strand, the complement: SCN1A is on the minus strand). VCF-style: chr2-166051857-T-C. GRCh37 (hg19) VCF-style: chr2-166908367-T-C.
Other names: c.826A>G, p.Lys276Glu (NM_001165964.3, NM_001202435.3, NM_001353948.2 and 10 more transcripts); c.-1600A>G (NM_001353961.2); short protein forms K276E.
Identifiers: ClinVar variation 4531781 (VCV004531781.1).
Genomic context (GRCh38, chr2:166,051,857, plus strand): 5'-TATTCTTTTCTATACTATGTTCCTCCAAGGAAGCATTGGTGGGAGGCCATTGTATACATT[T>C]ATTCCTCAGGTTGCCCATGAACAGCTGCAGCCCAATTAGAGCAAATACGCTCAGACAGAA-3'
Protein context (NP_001159435.1, residues 266-286): LQLFMGNLRN[Lys276Glu]CIQWPPTNAS

ClinVar aggregate classification (germline): Pathogenic (1 of 4 stars; one submission).

Conditions:
Severe myoclonic epilepsy in infancy (DRVT). Also called: Epileptic encephalopathy, early infantile, 6 (Dravet syndrome); SEVERE MYOCLONIC EPILEPSY OF INFANCY; DEVELOPMENTAL AND EPILEPTIC ENCEPHALOPATHY 6A; Severe Myoclonic Epilepsy in Infancy (SMEI); Dravet syndrome. Identifiers: Orphanet 33069, MedGen C0751122, MONDO:0100135, OMIM 607208.

Submission:

Victorian Clinical Genetics Services, Murdoch Childrens Research Institute
Classification: Pathogenic for Severe myoclonic epilepsy in infancy. Last evaluated: 2025-08-27. Review status: criteria provided, single submitter. Criteria: ACMG Guidelines, 2015. Collection method: clinical testing. Allele origin: germline. Affected: yes.
Comment: This variant is classified as Pathogenic. Evidence in support of pathogenic classification: Variant is absent from gnomAD (v2, v3 and v4); Other missense variant(s) comparable to the one identified in this case have moderate previous evidence for pathogenicity. p.(Lys276Ile) has been classified as likely pathogenic by a clinical laboratory in ClinVar, and p.(Lys276Asn) has been reported in the literature in individuals with SCN1A-related features, one of which occurred de novo (PMIDs: 36198807, 31864146, 32414541); Missense variant predicted to be damaging by in silico tool(s) or highly conserved with a major amino acid change; Additional information: Variant is predicted to result in a missense amino acid change from Lys to Glu; This variant is heterozygous; This gene is associated with autosomal dominant disease; This variant has no previous evidence of pathogenicity; No published evidence of segregation with disease has been identified for this variant; No published functional evidence has been identified for this variant; Variant is located in the annotated ion transport protein domain (DECIPHER); Loss of function and gain of function are known mechanisms of disease in this gene and are associated with SCN1A-related epilepsy (PMID: 28488083).

Literature cited by the submitters: PubMed 28488083; PubMed 32414541; PubMed 31864146; PubMed 36198807.